The following is an entry in ClinVar:

ClinVar aggregate classification (germline): Uncertain significance. Review status: criteria provided, multiple submitters, no conflicts (2 of 4 stars). 3 submissions from 3 submitters: Uncertain significance (3). Last evaluated 2022-02-08.

Conditions:
Amyotrophic lateral sclerosis (ALS). Also called: Charcot disease; Lou Gehrig disease. Identifiers: Orphanet 803, MedGen C0002736, MONDO:0004976, HP:0007354.

Allele frequency attached by ClinVar (database versions not stated): TOPMed 0.00001; gnomAD exomes 0.00002; ExAC 0.00003.
gnomAD v4.1: 22 of 1,610,790 alleles (0.0014%); highest among the groups gnomAD compares: East Asian, 0.0023%; no homozygotes.

Submissions (3):

Labcorp Genetics (formerly Invitae), Labcorp
Classification: Uncertain significance. Last evaluated: 2022-02-08. Review status: criteria provided, single submitter. Criteria: Invitae Variant Classification Sherloc (09022015). Collection method: clinical testing. Allele origin: germline.
Comment: This sequence change replaces proline, which is neutral and non-polar, with leucine, which is neutral and non-polar, at codon 29 of the PFN1 protein (p.Pro29Leu). This variant is present in population databases (rs769909149, gnomAD 0.005%). This variant has not been reported in the literature in individuals affected with PFN1-related conditions. Algorithms developed to predict the effect of missense changes on protein structure and function are either unavailable or do not agree on the potential impact of this missense change (SIFT: "Deleterious"; PolyPhen-2: "Possibly Damaging"; Align-GVGD: "Class C0"). In summary, the available evidence is currently insufficient to determine the role of this variant in disease. Therefore, it has been classified as a Variant of Uncertain Significance.

Dept. of Medical Genetics, Telemark Hospital Trust, Telemark Hospital Trust
Classification: Uncertain significance for Amyotrophic Lateral Sclerosis. Last evaluated: 2022-01-01. Review status: criteria provided, single submitter. Criteria: ACMG Guidelines, 2015. Collection method: research. Allele origin: germline. Affected: yes.

Blueprint Genetics
Classification: Uncertain significance. Last evaluated: 2021-04-07. Review status: criteria provided, single submitter. Criteria: ACMG Guidelines, 2015. Collection method: clinical testing. Allele origin: germline.

NM_005022.4(PFN1):c.86C>T (p.Pro29Leu)

Gene: PFN1 (profilin 1; minus strand). Cytogenetic location: 17p13.2.
Variant type: single nucleotide variant.
Coding change: c.86C>T on transcript NM_005022.4 (MANE Select); coding-DNA position 86, C replaced by T.
Protein change: p.Pro29Leu; replaces proline 29 with leucine.
Molecular consequence: missense variant.
Genome position (GRCh38, 1-based): chr17:4,948,309, G>A on the plus strand (C>T on the coding strand, the complement: PFN1 is on the minus strand). VCF-style: chr17-4948309-G-A. GRCh37 (hg19) VCF-style: chr17-4851604-G-A.
Other names: c.86C>T, p.Pro29Leu (NM_001375991.1); short protein forms P29L.
Identifiers: ClinVar variation 1343323 (VCV001343323.7), dbSNP rs769909149, ClinGen allele CA8315985.